The following is an entry in ClinVar:

NM_201384.3(PLEC):c.3261-235G>A

Genes: PLEC (plectin; minus strand), LOC130001332 (ATAC-STARR-seq lymphoblastoid active region 28075; plus strand). Cytogenetic location: 8q24.3.
Variant type: single nucleotide variant.
Coding change: c.3261-235G>A on transcript NM_201384.3 (MANE Select); 235 bases into the intron before coding-DNA position 3261, G replaced by A.
Molecular consequence: intron variant.
Genome position (GRCh38, 1-based): chr8:143,928,227, C>T on the plus strand (G>A on the coding strand, the complement: PLEC is on the minus strand). VCF-style: chr8-143928227-C-T. GRCh37 (hg19) VCF-style: chr8-145002395-C-T.
Other names: c.3342-235G>A (NM_000445.5); c.3219-235G>A (NM_201378.4); c.3195-235G>A (NM_201379.3); c.3672-235G>A (NM_201380.4); c.3165-235G>A (NM_201381.3); c.3261-235G>A (NM_201382.4); c.3273-235G>A (NM_201383.3).
Identifiers: ClinVar variation 679477 (VCV000679477.1), dbSNP rs73377208, ClinGen allele CA12871201.
Genomic context (GRCh38, chr8:143,928,227, plus strand): 5'-AAGGAGGTTGGGAGCCTCTGTAACACAAGGACACTCAGGACCCAGCCTGGAGAGGGGGTG[C>T]GCCAGCCAGGAACGGCAGACCCCAAGGCCCCGAGACAGGACGAGCCCACTGGCTGGATGA-3'

ClinVar aggregate classification (germline): Likely benign (1 of 4 stars; one submission).

Allele frequency attached by ClinVar (database versions not stated): 1000 Genomes Project 0.01018; 1000 Genomes Project 30x 0.01031; gnomAD 0.01039 and 0.01127; TOPMed 0.01235.
gnomAD v4.1: 1,569 of 152,338 alleles (1%); highest among the groups gnomAD compares: African/African-American, 3.5%; 35 homozygotes.

Submission:

GeneDx
Classification: Likely benign. Last evaluated: 2018-06-16. Review status: criteria provided, single submitter. Criteria: GeneDx Variant Classification (06012015). Collection method: clinical testing. Allele origin: germline. Affected: yes.
Comment: This variant is considered likely benign or benign based on one or more of the following criteria: it is a conservative change, it occurs at a poorly conserved position in the protein, it is predicted to be benign by multiple in silico algorithms, and/or has population frequency not consistent with disease.